The following is an entry in ClinVar:

NM_004304.5(ALK):c.2564C>T (p.Thr855Met)

Gene: ALK (ALK receptor tyrosine kinase; minus strand). Cytogenetic location: 2p23.2.
Variant type: single nucleotide variant.
Coding change: c.2564C>T on transcript NM_004304.5 (MANE Select); coding-DNA position 2564, C replaced by T.
Protein change: p.Thr855Met; replaces threonine 855 with methionine.
Molecular consequence: missense variant.
Genome position (GRCh38, 1-based): chr2:29,232,372, G>A on the plus strand (C>T on the coding strand, the complement: ALK is on the minus strand). VCF-style: chr2-29232372-G-A. GRCh37 (hg19) VCF-style: chr2-29455238-G-A.
Other names: c.2564C>T (NM_004304.4); short protein forms T855M.
Identifiers: ClinVar variation 1010773 (VCV001010773.7), dbSNP rs1295878742, ClinGen allele CA346471801.

ClinVar aggregate classification (germline): Uncertain significance. Review status: criteria provided, multiple submitters, no conflicts (2 of 4 stars). 2 submissions from 2 submitters: Uncertain significance (2). Last evaluated 2025-01-14.

Conditions:
Hereditary cancer-predisposing syndrome. Also called: Tumor predisposition; Hereditary Cancer Syndrome; Neoplastic Syndromes, Hereditary; Hereditary neoplastic syndrome. Identifiers: Orphanet 140162, MedGen C0027672, MeSH D009386, MONDO:0015356.
Neuroblastoma, susceptibility to, 3. Also called: ALK-Related Neuroblastic Tumor Susceptibility. Identifiers: Orphanet 635, MedGen C2751681, MONDO:0013083, OMIM 613014.

Allele frequency attached by ClinVar (database versions not stated): gnomAD exomes below 0.00001 and 0.00003; TOPMed below 0.00001.
gnomAD v4.1: 39 of 1,614,260 alleles (0.0024%); highest among the groups gnomAD compares: Non-Finnish European, 0.0031%; no homozygotes.

Submissions (2):

Labcorp Genetics (formerly Invitae), Labcorp
Classification: Uncertain significance for Neuroblastoma, susceptibility to, 3. Last evaluated: 2025-01-14. Review status: criteria provided, single submitter. Criteria: Invitae Variant Classification Sherloc (09022015). Collection method: clinical testing. Allele origin: germline.
Comment: This sequence change replaces threonine, which is neutral and polar, with methionine, which is neutral and non-polar, at codon 855 of the ALK protein (p.Thr855Met). This variant is present in population databases (no rsID available, gnomAD no frequency). This variant has not been reported in the literature in individuals affected with ALK-related conditions. ClinVar contains an entry for this variant (Variation ID: 1010773). An algorithm developed to predict the effect of missense changes on protein structure and function outputs the following: PolyPhen-2: "Benign". The methionine amino acid residue is found in multiple mammalian species, which suggests that this missense change does not adversely affect protein function. In summary, the available evidence is currently insufficient to determine the role of this variant in disease. Therefore, it has been classified as a Variant of Uncertain Significance.

Ambry Genetics
Classification: Uncertain significance for Hereditary cancer-predisposing syndrome. Last evaluated: 2025-01-03. Review status: criteria provided, single submitter. Criteria: Ambry Variant Classification Scheme 2023. Collection method: clinical testing. Allele origin: germline.
Comment: The p.T855M variant (also known as c.2564C>T), located in coding exon 15 of the ALK gene, results from a C to T substitution at nucleotide position 2564. The threonine at codon 855 is replaced by methionine, an amino acid with similar properties. This amino acid position is conserved. In addition, this alteration is predicted to be tolerated by in silico analysis. Based on the available evidence, the clinical significance of this variant remains unclear.